The following is an entry in ClinVar:

ClinVar aggregate classification (germline): Uncertain significance. Review status: criteria provided, multiple submitters, no conflicts (2 of 4 stars). 2 submissions from 2 submitters: Uncertain significance (2). Last evaluated 2024-12-06.

Conditions:
Hypertrophic cardiomyopathy. Also called: HYPERTROPHIC MYOCARDIOPATHY. Identifiers: Orphanet 217569, MedGen C0007194, MeSH D002312, MONDO:0005045, HP:0001639.

Submissions (2):

Labcorp Genetics (formerly Invitae), Labcorp
Classification: Uncertain significance for Hypertrophic cardiomyopathy. Last evaluated: 2024-12-06. Review status: criteria provided, single submitter. Criteria: Invitae Variant Classification Sherloc (09022015). Collection method: clinical testing. Allele origin: germline.
Comment: This sequence change falls in intron 8 of the MYBPC3 gene. It does not directly change the encoded amino acid sequence of the MYBPC3 protein. It affects a nucleotide within the consensus splice site. This variant is not present in population databases (gnomAD no frequency). This variant has not been reported in the literature in individuals affected with MYBPC3-related conditions. ClinVar contains an entry for this variant (Variation ID: 1389467). Variants that disrupt the consensus splice site are a relatively common cause of aberrant splicing (PMID: 17576681, 9536098). Algorithms developed to predict the effect of sequence changes on RNA splicing suggest that this variant may disrupt the consensus splice site. In summary, the available evidence is currently insufficient to determine the role of this variant in disease. Therefore, it has been classified as a Variant of Uncertain Significance.

All of Us Research Program, National Institutes of Health
Classification: Uncertain significance for Hypertrophic cardiomyopathy. Last evaluated: 2023-11-20. Review status: criteria provided, single submitter. Criteria: ACMG Guidelines, 2015. Collection method: clinical testing. Allele origin: germline. Inheritance: Autosomal dominant inheritance. Observed: 1 variant allele, 1 heterozygote.
Comment: This variant causes a deletion of six base pairs in intron 8 of the MYBPC3 gene. To our knowledge, functional studies have not been reported for this variant. This variant has not been reported in individuals affected with MYBPC3-related disorders in the literature. This variant has not been identified in the general population by the Genome Aggregation Database (gnomAD). The available evidence is insufficient to determine the role of this variant in disease conclusively. Therefore, this variant is classified as a Variant of Uncertain Significance.

This study involves interpretation of variants in research participants for the purpose of population health screening. Participant phenotype was not available at the time of variant classification. Additional details can be found in publication PMID: 35346344, PMCID: PMC8962531

Literature cited by the submitters: PubMed 17576681 (cited by Labcorp Genetics (formerly Invitae), Labcorp); PubMed 9536098 (cited by Labcorp Genetics (formerly Invitae), Labcorp).

NM_000256.3(MYBPC3):c.851+3_851+8del

Gene: MYBPC3 (myosin binding protein C3; minus strand). Cytogenetic location: 11p11.2.
Variant type: Deletion.
Coding change: c.851+3_851+8del on transcript NM_000256.3 (MANE Select); bases 3 to 8 of the intron after coding-DNA position 851, 6 bases deleted (ACCCCT; older notation c.851+3_851+8delACCCCT).
Molecular consequence: splice donor variant.
Genome position (GRCh38, 1-based): chr11:47,347,643-47,347,648, AGGGGT deleted on the plus strand (ACCCCT on the coding strand, the reverse complement: MYBPC3 is on the minus strand); deleting any 6 consecutive bases within chr11:47,347,643-47,347,649 gives the same sequence; the c. name uses the placement nearest the transcript's 3' end. VCF-style (leftmost placement, unchanged base first): chr11-47347642-CAGGGGT-C. GRCh37 (hg19) VCF-style: chr11-47369193-CAGGGGT-C.
Identifiers: ClinVar variation 1389467 (VCV001389467.7), dbSNP rs2142865359, ClinGen allele CA2573147267.
Genomic context (GRCh38, chr11:47,347,642, plus strand): 5'-TGGGCTCCCACCCGTCTCAGACCCCTGGGGGTCTGCGGATGGTGCAGGTAGGGCCTGGGG[CAGGGGT>C]ACCTGATCCGCCGACCACCTCCAGCCAGGCTCCTGTGGGGGTTAGACTCAGTATCCTCAC-3'